The following is an entry in ClinVar:

ClinVar aggregate classification (germline): Likely pathogenic (1 of 4 stars; one submission).

Conditions:
Primary ciliary dyskinesia. Also called: Ciliary dyskinesia. Identifiers: Orphanet 244, MedGen C0008780, MONDO:0016575, HP:0012265.

Submission:

Natera, Inc.
Classification: Likely pathogenic for Primary ciliary dyskinesia. Last evaluated: 2025-10-02. Review status: criteria provided, single submitter. Criteria: Natera Variant Classification Schema (03/2026). Collection method: clinical testing. Allele origin: germline.
Comment: The c.2070_2073dup variant in DNAH5 is a frameshift variant predicted to shift the reading frame beginning at codon 692 and leads to a stop codon 3 codons downstream. This variant is expected to result in nonsense mediated decay, truncation, or a dysfunctional protein product. This variant is rare in the general population with a frequency below the threshold expected for the associated phenotype(s). Given the available evidence, this variant is classified as Likely Pathogenic.

NM_001369.3(DNAH5):c.2070_2073dup (p.Leu692fs)

Genes: DNAH5 (dynein axonemal heavy chain 5; minus strand), DNAH5-AS1 (DNAH5 antisense RNA 1; plus strand). Cytogenetic location: 5p15.2.
Variant type: Duplication.
Coding change: c.2070_2073dup on transcript NM_001369.3 (MANE Select); coding-DNA positions 2070 to 2073, 4 bases duplicated (AGGT; older notation c.2070_2073dupAGGT).
Protein change: p.Leu692fs; shifts the reading frame from leucine 692.
Molecular consequence: frameshift variant. On other transcripts: non-coding transcript variant (1).
Genome position (GRCh38, 1-based): chr5:13,900,392-13,900,395, ACCT duplicated on the plus strand (AGGT on the coding strand, the reverse complement: DNAH5 is on the minus strand); duplicating any 4 consecutive bases within chr5:13,900,392-13,900,397 gives the same sequence; the c. name uses the placement nearest the transcript's 3' end. VCF-style (leftmost placement, unchanged base first): chr5-13900391-G-GACCT. GRCh37 (hg19) VCF-style: chr5-13900500-G-GACCT.
Other names: short protein forms L692fs.
Identifiers: ClinVar variation 4814875 (VCV004814875.1).